The following is an entry in ClinVar:

NM_000368.5(TSC1):c.1047A>G (p.Pro349=)

Gene: TSC1 (TSC complex subunit 1; minus strand). Cytogenetic location: 9q34.13.
Variant type: single nucleotide variant.
Coding change: c.1047A>G on transcript NM_000368.5 (MANE Select); coding-DNA position 1047, A replaced by G.
Protein change: p.Pro349=; no amino-acid change (proline 349 retained).
Molecular consequence: synonymous variant.
Genome position (GRCh38, 1-based): chr9:132,911,096, T>C on the plus strand (A>G on the coding strand, the complement: TSC1 is on the minus strand). VCF-style: chr9-132911096-T-C. GRCh37 (hg19) VCF-style: chr9-135786483-T-C.
Other names: c.1047A>G, p.Pro349= (NM_001162426.2); c.894A>G, p.Pro298= (NM_001162427.2); c.684A>G, p.Pro228= (NM_001362177.2).
Identifiers: ClinVar variation 48736 (VCV000048736.52), dbSNP rs118203492, ClinGen allele CA004363.

ClinVar aggregate classification (germline): Conflicting classifications of pathogenicity. Review status: criteria provided, conflicting classifications (1 of 4 stars). 15 submissions from 14 submitters: Uncertain significance (1); Benign (6); Likely benign (7). 1 of the submissions does not count toward it. Last evaluated 2026-01-26.

Conditions:
TSC1-related disorder. Also called: TSC1-related condition.
Hereditary cancer-predisposing syndrome. Also called: Hereditary Cancer Syndrome; Tumor predisposition; Neoplastic Syndromes, Hereditary; Hereditary neoplastic syndrome. Identifiers: Orphanet 140162, MedGen C0027672, MeSH D009386, MONDO:0015356.
Tuberous sclerosis syndrome (TSC). Also called: Tuberous Sclerosis Complex; Tuberous sclerosis. Identifiers: Orphanet 805, MedGen C0041341, MONDO:0001734.
Isolated focal cortical dysplasia type II (FCORD2). Also called: CORTICAL DYSPLASIA OF TAYLOR; Focal cortical dysplasia type II. Identifiers: Orphanet 268994, MedGen C1846385, MONDO:0011818, OMIM 607341, HP:0032051.
Tuberous sclerosis 1 (TSC1). Identifiers: Orphanet 805, MedGen C1854465, MONDO:0008612, OMIM 191100.

Allele frequency attached by ClinVar (database versions not stated): ExAC 0.00004; gnomAD 0.00005 and 0.00006; TOPMed 0.00005; gnomAD exomes 0.00009 and 0.00016.
gnomAD v4.1: 232 of 1,614,004 alleles (0.014%); highest among the groups gnomAD compares: Non-Finnish European, 0.019%; no homozygotes.

Submissions (15):

Labcorp Genetics (formerly Invitae), Labcorp
Classification: Benign for Tuberous sclerosis 1. Last evaluated: 2026-01-26. Review status: criteria provided, single submitter. Criteria: Invitae Variant Classification Sherloc (09022015). Collection method: clinical testing. Allele origin: germline.

Quest Diagnostics Nichols Institute San Juan Capistrano
Classification: Benign. Last evaluated: 2025-04-28. Review status: criteria provided, single submitter. Criteria: Quest Diagnostics criteria. Collection method: clinical testing. Allele origin: unknown.

Myriad Genetics, Inc.
Classification: Benign for Tuberous sclerosis 1. Last evaluated: 2025-04-09. Review status: criteria provided, single submitter. Criteria: Myriad Autosomal Dominant, Autosomal Recessive and X-Linked Classification Criteria (2023). Collection method: clinical testing. Allele origin: unknown.
Comment: This variant is considered benign. This variant is a silent/synonymous amino acid change and it is not expected to impact splicing.

PreventionGenetics, part of Exact Sciences
Classification: Likely benign for TSC1-related condition. Last evaluated: 2024-10-08. Review status: criteria provided, single submitter. Criteria: ACMG Guidelines, 2015. Collection method: clinical testing. Allele origin: germline.
Comment: This variant is classified as likely benign based on ACMG/AMP sequence variant interpretation guidelines (Richards et al. 2015 PMID: 25741868, with internal and published modifications).

Blueprint Genetics
Classification: Likely benign. Last evaluated: 2024-07-23. Review status: criteria provided, single submitter. Criteria: ACMG Guidelines, 2015. Collection method: clinical testing. Allele origin: germline.

All of Us Research Program, National Institutes of Health
Classification: Benign for Tuberous sclerosis syndrome. Last evaluated: 2024-01-11. Review status: criteria provided, single submitter. Criteria: ACMG Guidelines, 2015. Collection method: clinical testing. Allele origin: germline. Inheritance: Autosomal dominant inheritance. Observed: 19 variant alleles, 19 heterozygotes.
Comment: This study involves interpretation of variants in research participants for the purpose of population health screening. Participant phenotype was not available at the time of variant classification. Additional details can be found in publication PMID: 35346344, PMCID: PMC8962531

CeGaT Center for Human Genetics Tuebingen
Classification: Likely benign. Last evaluated: 2023-03-01. Review status: criteria provided, single submitter. Criteria: CeGaT Center For Human Genetics Tuebingen Variant Classification Criteria Version 2. Collection method: clinical testing. Allele origin: germline. Affected: yes. Observed: 1 variant allele.
Comment: TSC1: BS2

Color Diagnostics, LLC DBA Color Health
Classification: Benign for Tuberous sclerosis syndrome. Last evaluated: 2022-05-27. Review status: criteria provided, single submitter. Criteria: ACMG Guidelines, 2015. Collection method: clinical testing. Allele origin: germline.

Genome-Nilou Lab
Classification: Likely benign for Tuberous sclerosis 1. Last evaluated: 2021-11-07. Review status: criteria provided, single submitter. Criteria: ACMG Guidelines, 2015. Collection method: clinical testing. Allele origin: germline. Affected: no.

GeneDx
Classification: Likely benign. Last evaluated: 2021-02-18. Review status: criteria provided, single submitter. Criteria: GeneDx Variant Classification Process June 2021. Collection method: clinical testing. Allele origin: germline. Affected: yes.
Comment: This variant is associated with the following publications: (PMID: 14633685)

Sema4
Classification: Benign for Hereditary cancer-predisposing syndrome. Last evaluated: 2020-12-25. Review status: criteria provided, single submitter. Criteria: Sema4 Curation Guidelines. Collection method: curation. Allele origin: germline.

Illumina Laboratory Services, Illumina
Classification: Likely benign for Isolated focal cortical dysplasia type II. Last evaluated: 2018-01-13. Review status: criteria provided, single submitter. Criteria: ICSL Variant Classification Criteria 13 December 2019. Collection method: clinical testing. Allele origin: germline.
Comment: This variant was observed in the ICSL laboratory as part of a predisposition screen in an ostensibly healthy population. It had not been previously curated by ICSL or reported in the Human Gene Mutation Database (HGMD: prior to June 1st, 2018), and was therefore a candidate for classification through an automated scoring system. Utilizing variant allele frequency, disease prevalence and penetrance estimates, and inheritance mode, an automated score was calculated to assess if this variant is too frequent to cause the disease. Based on the score and internal cut-off values, a variant classified as likely benign is not then subjected to further curation. The score for this variant resulted in a classification of likely benign for this disease.

Illumina Laboratory Services, Illumina
Classification: Uncertain significance for Tuberous sclerosis 1. Last evaluated: 2018-01-13. Review status: criteria provided, single submitter. Criteria: ICSL Variant Classification Criteria 13 December 2019. Collection method: clinical testing. Allele origin: germline.

Ambry Genetics
Classification: Likely benign for Hereditary cancer-predisposing syndrome. Last evaluated: 2015-08-20. Review status: criteria provided, single submitter. Criteria: Ambry Variant Classification Scheme 2023. Collection method: clinical testing. Allele origin: germline.

Tuberous sclerosis database (TSC1)
No classification provided. Condition: TSC. Review status: no classification provided. Criteria: Tuberous Sclerosis Database Assertion Criteria 2015. Collection method: curation. Allele origin: germline. Affected: yes. Not counted in ClinVar's aggregate classification.